The following is an entry in ClinVar:

NM_005219.5(DIAPH1):c.160A>G (p.Ser54Gly)

Gene: DIAPH1 (diaphanous related formin 1; minus strand). Cytogenetic location: 5q31.3.
Variant type: single nucleotide variant.
Coding change: c.160A>G on transcript NM_005219.5 (MANE Select); coding-DNA position 160, A replaced by G.
Protein change: p.Ser54Gly; replaces serine 54 with glycine.
Molecular consequence: missense variant.
Genome position (GRCh38, 1-based): chr5:141,587,182, T>C on the plus strand (A>G on the coding strand, the complement: DIAPH1 is on the minus strand). VCF-style: chr5-141587182-T-C. GRCh37 (hg19) VCF-style: chr5-140966749-T-C.
Other names: c.133A>G, p.Ser45Gly (NM_001079812.3); c.160A>G, p.Ser54Gly (NM_001314007.2); short protein forms S54G, S45G.
Identifiers: ClinVar variation 4793216 (VCV004793216.1).

ClinVar aggregate classification (germline): Uncertain significance (1 of 4 stars; one submission).

Conditions:
Autosomal dominant nonsyndromic hearing loss 1. Also called: DEAFNESS, AUTOSOMAL DOMINANT 1, WITH OR WITHOUT THROMBOCYTOPENIA; KONIGSMARK SYNDROME. Identifiers: Orphanet 90635, MedGen C1852282, MONDO:0007424, OMIM 124900.
Progressive microcephaly-seizures-cortical blindness-developmental delay syndrome. Also called: Seizures, cortical blindness, and microcephaly syndrome. Identifiers: Orphanet 477814, MedGen C5567650, MONDO:0014714, OMIM 616632.

Submission:

Labcorp Genetics (formerly Invitae), Labcorp
Classification: Uncertain significance for Progressive microcephaly-seizures-cortical blindness-developmental delay syndrome; Autosomal dominant nonsyndromic hearing loss 1. Last evaluated: 2025-12-01. Review status: criteria provided, single submitter. Criteria: Invitae Variant Classification Sherloc (09022015). Collection method: clinical testing. Allele origin: germline.
Comment: This sequence change replaces serine, which is neutral and polar, with glycine, which is neutral and non-polar, at codon 54 of the DIAPH1 protein (p.Ser54Gly). This variant is not present in population databases (gnomAD no frequency). This variant has not been reported in the literature in individuals affected with DIAPH1-related conditions. Experimental studies and prediction algorithms are not available or were not evaluated, and the functional significance of this variant is currently unknown. In summary, the available evidence is currently insufficient to determine the role of this variant in disease. Therefore, it has been classified as a Variant of Uncertain Significance.